The following is an entry in ClinVar:

ClinVar aggregate classification (germline): Conflicting classifications of pathogenicity. Review status: criteria provided, conflicting classifications (1 of 4 stars). 2 submissions from 2 submitters: Uncertain significance (1); Likely benign (1). Last evaluated 2025-02-16.

Conditions:
Encephalopathy, acute, infection-induced (herpes-specific), susceptibility to, 1. Also called: Herpes simplex encephalitis, susceptibility to, 1. Identifiers: Orphanet 1930, MedGen C2750180, MONDO:0024563, OMIM 610551.

Allele frequency attached by ClinVar (database versions not stated): TOPMed 0.00004; gnomAD 0.00004 and 0.00005; 1000 Genomes Project 30x 0.00016; gnomAD exomes 0.00023; ExAC 0.00122.

Submissions (2):

Laboratory of Genetics, Children's Clinical University Hospital Latvia
Classification: Likely benign. Last evaluated: 2025-02-16. Review status: criteria provided, single submitter. Criteria: ACMG Guidelines, 2015. Collection method: clinical testing. Allele origin: germline. Affected: yes.

Labcorp Genetics (formerly Invitae), Labcorp
Classification: Uncertain significance for Encephalopathy, acute, infection-induced (herpes-specific), susceptibility to, 1. Last evaluated: 2025-01-13. Review status: criteria provided, single submitter. Criteria: Invitae Variant Classification Sherloc (09022015). Collection method: clinical testing. Allele origin: germline.
Comment: This sequence change replaces valine, which is neutral and non-polar, with methionine, which is neutral and non-polar, at codon 380 of the UNC93B1 protein (p.Val380Met). This variant is present in population databases (rs763186957, gnomAD 0.08%). This variant has not been reported in the literature in individuals affected with UNC93B1-related conditions. ClinVar contains an entry for this variant (Variation ID: 641756). An algorithm developed to predict the effect of missense changes on protein structure and function outputs the following: PolyPhen-2: "Not Available". The methionine amino acid residue is found in multiple mammalian species, which suggests that this missense change does not adversely affect protein function. In summary, the available evidence is currently insufficient to determine the role of this variant in disease. Therefore, it has been classified as a Variant of Uncertain Significance.

NM_030930.4(UNC93B1):c.1138G>A (p.Val380Met)

Gene: UNC93B1 (unc-93B1 regulator of TLR signaling; minus strand). Cytogenetic location: 11q13.2.
Variant type: single nucleotide variant.
Coding change: c.1138G>A on transcript NM_030930.4 (MANE Select); coding-DNA position 1138, G replaced by A.
Protein change: p.Val380Met; replaces valine 380 with methionine.
Molecular consequence: missense variant.
Genome position (GRCh38, 1-based): chr11:67,995,836, C>T on the plus strand (G>A on the coding strand, the complement: UNC93B1 is on the minus strand). VCF-style: chr11-67995836-C-T. GRCh37 (hg19) VCF-style: chr11-67763307-C-T.
Other names: short protein forms V380M.
Identifiers: ClinVar variation 641756 (VCV000641756.7), dbSNP rs763186957, ClinGen allele CA6145439.